The following is an entry in ClinVar:

NM_017882.3(CLN6):c.377T>C (p.Ile126Thr)

Gene: CLN6 (CLN6 transmembrane ER protein; minus strand). Cytogenetic location: 15q23.
Variant type: single nucleotide variant.
Coding change: c.377T>C on transcript NM_017882.3 (MANE Select); coding-DNA position 377, T replaced by C.
Protein change: p.Ile126Thr; replaces isoleucine 126 with threonine.
Molecular consequence: missense variant.
Genome position (GRCh38, 1-based): chr15:68,211,784, A>G on the plus strand (T>C on the coding strand, the complement: CLN6 is on the minus strand). VCF-style: chr15-68211784-A-G. GRCh37 (hg19) VCF-style: chr15-68504122-A-G.
Other names: short protein forms I126T.
Identifiers: ClinVar variation 1503026 (VCV001503026.8), dbSNP rs2141139324, ClinGen allele CA392973537.

ClinVar aggregate classification (germline): Uncertain significance (1 of 4 stars; one submission).

Conditions:
Neuronal ceroid lipofuscinosis. Also called: Neuronal Ceroid Lipofuscinoses. Identifiers: Orphanet 216, Orphanet 79263, MedGen C0027877, MONDO:0016295. Disease mechanism: loss of function.

Submission:

Labcorp Genetics (formerly Invitae), Labcorp
Classification: Uncertain significance for Neuronal ceroid lipofuscinosis. Last evaluated: 2024-10-23. Review status: criteria provided, single submitter. Criteria: Invitae Variant Classification Sherloc (09022015). Collection method: clinical testing. Allele origin: germline.
Comment: This sequence change replaces isoleucine, which is neutral and non-polar, with threonine, which is neutral and polar, at codon 126 of the CLN6 protein (p.Ile126Thr). This variant is not present in population databases (gnomAD no frequency). This variant has not been reported in the literature in individuals affected with CLN6-related conditions. ClinVar contains an entry for this variant (Variation ID: 1503026). Invitae Evidence Modeling of protein sequence and biophysical properties (such as structural, functional, and spatial information, amino acid conservation, physicochemical variation, residue mobility, and thermodynamic stability) indicates that this missense variant is not expected to disrupt CLN6 protein function with a negative predictive value of 80%. In summary, the available evidence is currently insufficient to determine the role of this variant in disease. Therefore, it has been classified as a Variant of Uncertain Significance.